The following is an entry in ClinVar:

ClinVar aggregate classification (germline): Pathogenic. Review status: reviewed by expert panel (3 of 4 stars). 6 submissions from 6 submitters: Pathogenic (1). 5 of the submissions do not count toward it. Last evaluated 2020-01-10.

Conditions:
CFTR-related disorder (CFTR-RD). Also called: CFTR-related condition; CFTR-related disorders. Identifiers: MedGen C5924204, MONDO:7770004.
Cystic fibrosis (CF). Also called: MUCOVISCIDOSIS. Identifiers: Orphanet 586, MedGen C0010674, MONDO:0009061, OMIM 219700. Disease mechanism: loss of function.

Allele frequency attached by ClinVar (database versions not stated): ExAC 0.00001.
gnomAD v4.1: 12 of 1,595,260 alleles (0.00075%); highest among the groups gnomAD compares: Non-Finnish European, 0.001%; no homozygotes.

Submissions (6):

CFTR2
Classification: Pathogenic for Cystic fibrosis. Last evaluated: 2020-01-10. Review status: reviewed by expert panel. Criteria: Submitter's publication and website. Collection method: research. Allele origin: germline. Affected: yes.

Natera, Inc.
Classification: Likely pathogenic for CFTR-related disorders. Last evaluated: 2025-12-23. Review status: criteria provided, single submitter. Criteria: Natera Variant Classification Schema (03/2026). Collection method: clinical testing. Allele origin: germline. Not counted in ClinVar's aggregate classification.
Comment: The c.1801A>T variant in CFTR is a missense variant predicted to cause substitution of isoleucine to phenylalanine at amino acid 601. This variant is rare in the general population with a frequency below the threshold expected for the associated phenotype(s). This variant has been observed in one or more individuals affected with the associated recessive disease, as either homozygous or compound heterozygous with a second variant (PMID: 9736778). Functional studies show that this variant may disrupt protein function (PMID: 38388235). Computational prediction algorithms indicate this variant is likely to affect gene or protein function. Given the available evidence, this variant is classified as Likely Pathogenic.

Women's Health and Genetics/Laboratory Corporation of America, LabCorp
Classification: Likely pathogenic for Cystic fibrosis. Last evaluated: 2025-07-17. Review status: criteria provided, single submitter. Criteria: LabCorp Variant Classification Summary - May 2015. Collection method: clinical testing. Allele origin: germline. Not counted in ClinVar's aggregate classification.
Comment: Variant summary: CFTR c.1801A>T (p.Ile601Phe) results in a non-conservative amino acid change located in the ABC transporter-like of the encoded protein sequence. Algorithms developed to predict the effect of missense changes on protein structure and function all suggest that this variant is likely to be disruptive. The variant allele was found at a frequency of 4.3e-06 in 233316 control chromosomes. c.1801A>T has been reported in the literature in individuals affected with CFTR-Related Diseases (CFTR-RD), including at least one patient with pancreatic sufficient CF and one patient with CBAVD (Vankeerberghen_1998, Steiner_2011). The variant has also been reported in 5 patients in the CFTR2 database, and was reported in the CFTR-France database in 2 patients with CF and 4 patients with CFTR-RD. At least one functional study reported that the variant gave rise to a protein that was aberrantly processed, resulting in the absence of sufficient CFTR protein at the cell surface (Vankeerberghen_1998). The following publications have been ascertained in the context of this evaluation (PMID: 29174009, 21520337, 9736778). ClinVar contains an entry for this variant (Variation ID: 53391). Based on the evidence outlined above, the variant was classified as likely pathogenic.

Blueprint Genetics
Classification: Pathogenic for CFTR-related disorders. Last evaluated: 2023-07-24. Review status: criteria provided, single submitter. Criteria: ACMG Guidelines, 2015. Collection method: clinical testing. Allele origin: germline. Affected: yes. Observed: 1 variant allele. Not counted in ClinVar's aggregate classification.

CFTR-France
Classification: Pathogenic for cystic fibrosis; CFTR-related disorders. Last evaluated: 2018-01-29. Review status: criteria provided, single submitter. Criteria: Claustres M et al. (Hum Mutat 2017). Collection method: curation. Allele origin: germline. Affected: yes. Not counted in ClinVar's aggregate classification.
Comment: when the variant is in trans with another CF-causing variation, can either result in CF or in a CFTR-RD

ClinVar Staff, National Center for Biotechnology Information (NCBI)
No classification provided. Condition: CFTR-related disorders. Review status: no classification provided. Collection method: literature only. Allele origin: germline. Affected: yes. Not counted in ClinVar's aggregate classification.

Literature cited by the submitters: PubMed 9736778 (cited by 3 submitters); PubMed 38388235 (cited by Natera, Inc.); PubMed 21520337 (cited by Women's Health and Genetics/Laboratory Corporation of America, LabCorp); PubMed 29174009 (cited by Women's Health and Genetics/Laboratory Corporation of America, LabCorp).

NM_000492.4(CFTR):c.1801A>T (p.Ile601Phe)

Gene: CFTR (CF transmembrane conductance regulator; plus strand). Cytogenetic location: 7q31.2.
Variant type: single nucleotide variant.
Coding change: c.1801A>T on transcript NM_000492.4 (MANE Select); coding-DNA position 1801, A replaced by T.
Protein change: p.Ile601Phe; replaces isoleucine 601 with phenylalanine.
Molecular consequence: missense variant.
Genome position (GRCh38, 1-based): chr7:117,591,968, A>T. VCF-style: chr7-117591968-A-T. GRCh37 (hg19) VCF-style: chr7-117232022-A-T.
Other names: short protein forms I601F.
Identifiers: ClinVar variation 53391 (VCV000053391.7), dbSNP rs397508306, ClinGen allele CA326681.
Genomic context (GRCh38, chr7:117,591,968, plus strand): 5'-TATTTATATGTTTTTATATCTTAAAGCTGTGTCTGTAAACTGATGGCTAACAAAACTAGG[A>T]TTTTGGTCACTTCTAAAATGGAACATTTAAAGAAAGCTGACAAAATATTAATTTTGCATG-3'
Protein context (NP_000483.3, residues 591-611): VCKLMANKTR[Ile601Phe]LVTSKMEHLK